The following is an entry in ClinVar:

ClinVar aggregate classification (germline): Uncertain significance (1 of 4 stars; one submission).

Conditions:
Charcot-Marie-Tooth disease dominant intermediate B (CMTDIB). Also called: CHARCOT-MARIE-TOOTH NEUROPATHY, DOMINANT INTERMEDIATE B; Charcot-Marie-Tooth disease dominant intermediate 1; CMT DI1; Charcot-Marie-Tooth disease dominant intermediate I. Identifiers: Orphanet 100044, Orphanet 228179, MedGen C1847902, MONDO:0011674, OMIM 606482.

Submission:

Labcorp Genetics (formerly Invitae), Labcorp
Classification: Uncertain significance for Charcot-Marie-Tooth disease dominant intermediate B. Last evaluated: 2025-02-10. Review status: criteria provided, single submitter. Criteria: Invitae Variant Classification Sherloc (09022015). Collection method: clinical testing. Allele origin: germline.
Comment: This sequence change results in a frameshift in the DNM2 gene (p.Pro858Alafs*99). While this is not anticipated to result in nonsense mediated decay, it is expected to disrupt the last 13 amino acid(s) of the DNM2 protein and extend the protein by 85 additional amino acid residues. This variant is not present in population databases (gnomAD no frequency). This variant has not been reported in the literature in individuals affected with DNM2-related conditions. ClinVar contains an entry for this variant (Variation ID: 2708030). Experimental studies and prediction algorithms are not available or were not evaluated, and the functional significance of this variant is currently unknown. In summary, the available evidence is currently insufficient to determine the role of this variant in disease. Therefore, it has been classified as a Variant of Uncertain Significance.

NM_001005361.3(DNM2):c.2571_2593del (p.Pro858fs)

Gene: DNM2 (dynamin 2; plus strand). Cytogenetic location: 19p13.2.
Variant type: Deletion.
Coding change: c.2571_2593del on transcript NM_001005361.3 (MANE Select); coding-DNA positions 2571 to 2593, 23 bases deleted (GCCCACCATTATCCGCCCAGCCG).
Protein change: p.Pro858fs; shifts the reading frame from proline 858.
Molecular consequence: frameshift variant.
Genome position (GRCh38, 1-based): chr19:10,831,005-10,831,027, GCCCACCATTATCCGCCCAGCCG deleted; deleting any 23 consecutive bases within chr19:10,830,995-10,831,027 gives the same sequence; the c. name uses the placement nearest the transcript's 3' end. VCF-style (leftmost placement, unchanged base first): chr19-10830994-GCGCCCAGCCGGCCCACCATTATC-G. GRCh37 (hg19) VCF-style: chr19-10941670-GCGCCCAGCCGGCCCACCATTATC-G.
Other names: c.2571_2593del, p.Pro858fs (NM_001005360.3); c.2559_2581del, p.Pro854fs (NM_001005362.3, NM_004945.4); c.2568_2590del, p.Pro857fs (NM_001190716.2); short protein forms P854fs, P857fs, P858fs.
Identifiers: ClinVar variation 2708030 (VCV002708030.3), dbSNP rs2146213977, ClinGen allele CA2697556210.